The following is an entry in ClinVar:

ClinVar aggregate classification (germline): Likely pathogenic (1 of 4 stars; one submission).

Conditions:
Dilated cardiomyopathy 1G (CMD1G). Identifiers: Orphanet 154, MedGen C1858763, MONDO:0011400, OMIM 604145.
Autosomal recessive limb-girdle muscular dystrophy type 2J (LGMDR10). Also called: Limb-girdle muscular dystrophy, type 2J; MUSCULAR DYSTROPHY, LIMB-GIRDLE, AUTOSOMAL RECESSIVE 10. Identifiers: Orphanet 140922, MedGen C1837342, MONDO:0012127, OMIM 608807.

Allele frequency attached by ClinVar (database versions not stated): gnomAD exomes below 0.00001.
gnomAD v4.1: 1 of 1,613,796 alleles (0.000062%); highest among the groups gnomAD compares: Admixed American, 0.0017%; no homozygotes.

Submission:

Labcorp Genetics (formerly Invitae), Labcorp
Classification: Likely pathogenic for Dilated cardiomyopathy 1G; Autosomal recessive limb-girdle muscular dystrophy type 2J. Last evaluated: 2022-08-23. Review status: criteria provided, single submitter. Criteria: Invitae Variant Classification Sherloc (09022015). Collection method: clinical testing. Allele origin: germline.
Comment: This variant is present in population databases (no rsID available, gnomAD 0.003%). This sequence change creates a premature translational stop signal (p.Trp31444*) in the TTN gene. While this is not anticipated to result in nonsense mediated decay, it is expected to create a truncated TTN protein. This variant has not been reported in the literature in individuals affected with TTN-related conditions. ClinVar contains an entry for this variant (Variation ID: 1468423). Algorithms developed to predict the effect of sequence changes on RNA splicing suggest that this variant may create or strengthen a splice site. This variant is located in the A band of TTN (PMID: 25589632). Truncating variants in this region are significantly overrepresented in patients affected with dilated cardiomyopathy (PMID: 25589632). Truncating variants in this region have also been reported in individuals affected with autosomal recessive centronuclear myopathy (PMID: 23975875). In summary, the currently available evidence indicates that the variant is pathogenic, but additional data are needed to prove that conclusively. Therefore, this variant has been classified as Likely Pathogenic.

Literature cited by the submitters: PubMed 25589632; PubMed 23975875.

NM_001267550.2(TTN):c.94331G>A (p.Trp31444Ter)

Genes: TTN (titin; minus strand), TTN-AS1 (TTN antisense RNA 1; plus strand). Cytogenetic location: 2q31.2.
Variant type: single nucleotide variant.
Coding change: c.94331G>A on transcript NM_001267550.2 (MANE Select); coding-DNA position 94331, G replaced by A.
Protein change: p.Trp31444Ter; replaces tryptophan 31444 with a stop codon.
Molecular consequence: nonsense.
Genome position (GRCh38, 1-based): chr2:178,547,194, C>T on the plus strand (G>A on the coding strand, the complement: TTN is on the minus strand). VCF-style: chr2-178547194-C-T. GRCh37 (hg19) VCF-style: chr2-179411921-C-T.
Other names: c.89408G>A, p.Trp29803Ter (NM_001256850.1); c.67136G>A, p.Trp22379Ter (NM_003319.4); c.86627G>A, p.Trp28876Ter (NM_133378.4); c.67511G>A, p.Trp22504Ter (NM_133432.3); c.67712G>A, p.Trp22571Ter (NM_133437.4); short protein forms W22504*, W31444*, W22379*, W28876*, W22571*, W29803*.
Identifiers: ClinVar variation 1468423 (VCV001468423.6), dbSNP rs1429264347, ClinGen allele CA349475130.